The following is an entry in ClinVar:

ClinVar aggregate classification (germline): Uncertain significance (1 of 4 stars; one submission).

gnomAD v4.1: 1 of 1,613,888 alleles (0.000062%); highest among the groups gnomAD compares: Non-Finnish European, 0.000085%; no homozygotes.

Submission:

Ambry Genetics
Classification: Uncertain significance. Last evaluated: 2026-08-22. Review status: criteria provided, single submitter. Criteria: Ambry Variant Classification Scheme 2023. Collection method: clinical testing. Allele origin: germline.
Comment: The p.D1146G variant (also known as c.3437A>G), located in coding exon 3 of the MLH3 gene, results from an A to G substitution at nucleotide position 3437. The aspartic acid at codon 1146 is replaced by glycine, an amino acid with similar properties. This amino acid position is conserved. In addition, the in silico prediction for this alteration is inconclusive. Based on the available evidence, the clinical significance of this variant remains unclear.

NM_001040108.2(MLH3):c.3437A>G (p.Asp1146Gly)

Gene: MLH3 (mutL homolog 3; minus strand). Cytogenetic location: 14q24.3.
Variant type: single nucleotide variant.
Coding change: c.3437A>G on transcript NM_001040108.2 (MANE Select); coding-DNA position 3437, A replaced by G.
Protein change: p.Asp1146Gly; replaces aspartic acid 1146 with glycine.
Molecular consequence: missense variant.
Genome position (GRCh38, 1-based): chr14:75,041,643, T>C on the plus strand (A>G on the coding strand, the complement: MLH3 is on the minus strand). VCF-style: chr14-75041643-T-C. GRCh37 (hg19) VCF-style: chr14-75508346-T-C.
Other names: c.3437A>G, p.Asp1146Gly (NM_014381.3); short protein forms D1146G.
Identifiers: ClinVar variation 5024633 (VCV005024633.1).